The following is an entry in ClinVar:

ClinVar aggregate classification (germline): Benign (0 of 4 stars; one submission).

Conditions:
MAP3K15-related disorder. Also called: MAP3K15-related condition.

Allele frequency attached by ClinVar (database versions not stated): ESP Exome Variant Server 0.00049; gnomAD 0.00202; TOPMed 0.00255; ExAC 0.00788; 1000 Genomes Project 30x 0.01249; 1000 Genomes Project 0.01272.
gnomAD v4.1: 1,773 of 1,177,046 alleles (0.15%); highest among the groups gnomAD compares: East Asian, 3.6%; 20 homozygotes.

Submission:

PreventionGenetics, part of Exact Sciences
Classification: Benign for MAP3K15-related condition. Last evaluated: 2019-07-01. Review status: no assertion criteria provided. Collection method: clinical testing. Allele origin: germline.
Comment: This variant is classified as benign based on ACMG/AMP sequence variant interpretation guidelines (Richards et al. 2015 PMID: 25741868, with internal and published modifications).

NM_001001671.4(MAP3K15):c.1509G>A (p.Ser503=)

Gene: MAP3K15 (mitogen-activated protein kinase kinase kinase 15; minus strand). Cytogenetic location: Xp22.12.
Variant type: single nucleotide variant.
Coding change: c.1509G>A on transcript NM_001001671.4 (MANE Select); coding-DNA position 1509, G replaced by A.
Protein change: p.Ser503=; no amino-acid change (serine 503 retained).
Molecular consequence: synonymous variant.
Genome position (GRCh38, 1-based): chrX:19,415,188, C>T on the plus strand (G>A on the coding strand, the complement: MAP3K15 is on the minus strand). VCF-style: chrX-19415188-C-T. GRCh37 (hg19) VCF-style: chrX-19433306-C-T.
Identifiers: ClinVar variation 3043053 (VCV003043053.2), dbSNP rs56125741, ClinGen allele CA10364051.